The following is an entry in ClinVar:

ClinVar aggregate classification (germline): Uncertain significance (1 of 4 stars; one submission).

Conditions:
Glycine encephalopathy. Also called: Non-ketotic hyperglycinemia; Nonketotic hyperglycinemia. Identifiers: Orphanet 407, MedGen C0751748, MONDO:0011612, HP:0008288.

Submission:

Labcorp Genetics (formerly Invitae), Labcorp
Classification: Uncertain significance for Glycine encephalopathy. Last evaluated: 2023-10-03. Review status: criteria provided, single submitter. Criteria: Invitae Variant Classification Sherloc (09022015). Collection method: clinical testing. Allele origin: germline.
Comment: This sequence change replaces glutamic acid, which is acidic and polar, with glutamine, which is neutral and polar, at codon 495 of the GLDC protein (p.Glu495Gln). This variant is not present in population databases (gnomAD no frequency). This variant has not been reported in the literature in individuals affected with GLDC-related conditions. ClinVar contains an entry for this variant (Variation ID: 531769). An algorithm developed to predict the effect of missense changes on protein structure and function (PolyPhen-2) suggests that this variant is likely to be tolerated. In summary, the available evidence is currently insufficient to determine the role of this variant in disease. Therefore, it has been classified as a Variant of Uncertain Significance.

NM_000170.3(GLDC):c.1483G>C (p.Glu495Gln)

Gene: GLDC (glycine decarboxylase; minus strand). Cytogenetic location: 9p24.1.
Variant type: single nucleotide variant.
Coding change: c.1483G>C on transcript NM_000170.3 (MANE Select); coding-DNA position 1483, G replaced by C.
Protein change: p.Glu495Gln; replaces glutamic acid 495 with glutamine.
Molecular consequence: missense variant.
Genome position (GRCh38, 1-based): chr9:6,589,292, C>G on the plus strand (G>C on the coding strand, the complement: GLDC is on the minus strand). VCF-style: chr9-6589292-C-G. GRCh37 (hg19) VCF-style: chr9-6589292-C-G.
Other names: short protein forms E495Q.
Identifiers: ClinVar variation 531769 (VCV000531769.9), dbSNP rs1554646734, ClinGen allele CA372893405.